The following is an entry in ClinVar:

NM_004984.4(KIF5A):c.292-5G>T

Gene: KIF5A (kinesin family member 5A; plus strand). Cytogenetic location: 12q13.3.
Variant type: single nucleotide variant.
Coding change: c.292-5G>T on transcript NM_004984.4 (MANE Select); 5 bases into the intron before coding-DNA position 292, G replaced by T.
Molecular consequence: intron variant.
Genome position (GRCh38, 1-based): chr12:57,564,103, G>T. VCF-style: chr12-57564103-G-T. GRCh37 (hg19) VCF-style: chr12-57957886-G-T.
Other names: c.130-357G>T (NM_001354705.2); c.292-5G>T (NM_004984.2).
Identifiers: ClinVar variation 1592602 (VCV001592602.11), dbSNP rs201917057, ClinGen allele CA605307938.

ClinVar aggregate classification (germline): Likely benign. Review status: criteria provided, multiple submitters, no conflicts (2 of 4 stars). 3 submissions from 3 submitters: Likely benign (2). 1 of the submissions does not count toward it. Last evaluated 2025-11-27.

Conditions:
KIF5A-related disorder. Also called: KIF5A-related disorders; KIF5A-related condition.
Spastic paraplegia. Identifiers: MedGen C0037772, HP:0001258.

gnomAD v4.1: 13 of 1,610,614 alleles (0.00081%); highest among the groups gnomAD compares: Admixed American, 0.0033%; no homozygotes.

Submissions (3):

Labcorp Genetics (formerly Invitae), Labcorp
Classification: Likely benign for Spastic paraplegia. Last evaluated: 2025-11-27. Review status: criteria provided, single submitter. Criteria: Invitae Variant Classification Sherloc (09022015). Collection method: clinical testing. Allele origin: germline.

Blueprint Genetics
Classification: Likely benign. Last evaluated: 2023-01-25. Review status: criteria provided, single submitter. Criteria: ACMG Guidelines, 2015. Collection method: clinical testing. Allele origin: germline.

PreventionGenetics, part of Exact Sciences
Classification: Likely benign for KIF5A-related condition. Last evaluated: 2024-01-17. Review status: no assertion criteria provided. Collection method: clinical testing. Allele origin: germline. Not counted in ClinVar's aggregate classification.
Comment: This variant is classified as likely benign based on ACMG/AMP sequence variant interpretation guidelines (Richards et al. 2015 PMID: 25741868, with internal and published modifications).